The following is an entry in ClinVar:

NM_152296.5(ATP1A3):c.719T>C (p.Val240Ala)

Gene: ATP1A3 (ATPase Na+/K+ transporting subunit alpha 3; minus strand). Cytogenetic location: 19q13.2.
Variant type: single nucleotide variant.
Coding change: c.719T>C on transcript NM_152296.5 (MANE Select); coding-DNA position 719, T replaced by C.
Protein change: p.Val240Ala; replaces valine 240 with alanine.
Molecular consequence: missense variant.
Genome position (GRCh38, 1-based): chr19:41,985,311, A>G on the plus strand (T>C on the coding strand, the complement: ATP1A3 is on the minus strand). VCF-style: chr19-41985311-A-G. GRCh37 (hg19) VCF-style: chr19-42489463-A-G.
Other names: c.752T>C, p.Val251Ala (NM_001256213.2); c.758T>C, p.Val253Ala (NM_001256214.2); short protein forms V253A, V240A, V251A.
Identifiers: ClinVar variation 948279 (VCV000948279.11), dbSNP rs2075276205, ClinGen allele CA406053315.

ClinVar aggregate classification (germline): Uncertain significance. Review status: criteria provided, multiple submitters, no conflicts (2 of 4 stars). 2 submissions from 2 submitters: Uncertain significance (2). Last evaluated 2024-01-15.

Conditions:
Dystonia 12 (DYT12). Also called: DYT-ATP1A3; Rapid-Onset Dystonia-Parkinsonism (RDP). Identifiers: Orphanet 71517, MedGen C1868681, MONDO:0007496, OMIM 128235.

Submissions (2):

Labcorp Genetics (formerly Invitae), Labcorp
Classification: Uncertain significance for Dystonia 12. Last evaluated: 2024-01-15. Review status: criteria provided, single submitter. Criteria: Invitae Variant Classification Sherloc (09022015). Collection method: clinical testing. Allele origin: germline.
Comment: This sequence change replaces valine, which is neutral and non-polar, with alanine, which is neutral and non-polar, at codon 240 of the ATP1A3 protein (p.Val240Ala). This variant is not present in population databases (gnomAD no frequency). This variant has not been reported in the literature in individuals affected with ATP1A3-related conditions. ClinVar contains an entry for this variant (Variation ID: 948279). Advanced modeling of protein sequence and biophysical properties (such as structural, functional, and spatial information, amino acid conservation, physicochemical variation, residue mobility, and thermodynamic stability) performed at Invitae indicates that this missense variant is expected to disrupt ATP1A3 protein function with a positive predictive value of 95%. In summary, the available evidence is currently insufficient to determine the role of this variant in disease. Therefore, it has been classified as a Variant of Uncertain Significance.

GeneDx
Classification: Uncertain significance. Last evaluated: 2019-08-05. Review status: criteria provided, single submitter. Criteria: GeneDx Variant Classification Process June 2021. Collection method: clinical testing. Allele origin: germline. Affected: yes.
Comment: Not observed in large population cohorts (Lek et al., 2016); In silico analysis, which includes protein predictors and evolutionary conservation, supports a deleterious effect; Has not been previously published as pathogenic or benign to our knowledge